The following is an entry in ClinVar:

ClinVar aggregate classification (germline): Uncertain significance (1 of 4 stars; one submission).

Conditions:
Pyridoxine-dependent epilepsy (EPEO4). Also called: Pyridoxine-Dependent Seizures; Pyridoxine-Dependent Epilepsy - ALDH7A1; PYRIDOXINE DEPENDENCY WITH SEIZURES; EPILEPSY, EARLY-ONSET, 4, VITAMIN B6-DEPENDENT. Identifiers: Orphanet 3006, MedGen C1849508, MONDO:0009945, OMIM 266100. Disease mechanism: loss of function.

Allele frequency attached by ClinVar (database versions not stated): gnomAD 0.00001; gnomAD exomes 0.00001.
gnomAD v4.1: 17 of 1,608,474 alleles (0.0011%); highest among the groups gnomAD compares: Non-Finnish European, 0.0014%; no homozygotes.

Submission:

Labcorp Genetics (formerly Invitae), Labcorp
Classification: Uncertain significance for Pyridoxine-dependent epilepsy. Last evaluated: 2021-11-25. Review status: criteria provided, single submitter. Criteria: Invitae Variant Classification Sherloc (09022015). Collection method: clinical testing. Allele origin: germline.
Comment: This sequence change replaces lysine, which is basic and polar, with glutamine, which is neutral and polar, at codon 43 of the ALDH7A1 protein (p.Lys43Gln). This variant is not present in population databases (gnomAD no frequency). This variant has not been reported in the literature in individuals affected with ALDH7A1-related conditions. Advanced modeling of protein sequence and biophysical properties (such as structural, functional, and spatial information, amino acid conservation, physicochemical variation, residue mobility, and thermodynamic stability) performed at Invitae indicates that this missense variant is not expected to disrupt ALDH7A1 protein function. In summary, the available evidence is currently insufficient to determine the role of this variant in disease. Therefore, it has been classified as a Variant of Uncertain Significance.

NM_001182.5(ALDH7A1):c.127A>C (p.Lys43Gln)

Gene: ALDH7A1 (aldehyde dehydrogenase 7 family member A1; minus strand). Cytogenetic location: 5q23.2.
Variant type: single nucleotide variant.
Coding change: c.127A>C on transcript NM_001182.5 (MANE Select); coding-DNA position 127, A replaced by C.
Protein change: p.Lys43Gln; replaces lysine 43 with glutamine.
Molecular consequence: missense variant.
Genome position (GRCh38, 1-based): chr5:126,595,072, T>G on the plus strand (A>C on the coding strand, the complement: ALDH7A1 is on the minus strand). VCF-style: chr5-126595072-T-G. GRCh37 (hg19) VCF-style: chr5-125930764-T-G.
Other names: c.43A>C, p.Lys15Gln (NM_001201377.2); c.127A>C, p.Lys43Gln (NM_001202404.2); short protein forms K15Q, K43Q.
Identifiers: ClinVar variation 1496607 (VCV001496607.3), dbSNP rs1751698183, ClinGen allele CA360733790.